The following is an entry in ClinVar:

ClinVar aggregate classification (germline): Conflicting classifications of pathogenicity. Review status: criteria provided, conflicting classifications (1 of 4 stars). 4 submissions from 4 submitters: Likely pathogenic (1); Uncertain significance (3). Last evaluated 2025-08-20.

Conditions:
Neurodevelopmental disorder with or without hyperkinetic movements and seizures, autosomal dominant. Also called: Intellectual disability, autosomal dominant 8. Identifiers: MedGen C3280282, MONDO:0013655, OMIM 614254.
GRIN1-related disorder. Also called: GRIN1-related condition.

Allele frequency attached by ClinVar (database versions not stated): gnomAD exomes 0.00001; TOPMed 0.00001.

Submissions (4):

Labcorp Genetics (formerly Invitae), Labcorp
Classification: Uncertain significance for Neurodevelopmental disorder with or without hyperkinetic movements and seizures, autosomal dominant. Last evaluated: 2025-08-20. Review status: criteria provided, single submitter. Criteria: Invitae Variant Classification Sherloc (09022015). Collection method: clinical testing. Allele origin: germline.
Comment: This sequence change replaces valine, which is neutral and non-polar, with methionine, which is neutral and non-polar, at codon 150 of the GRIN1 protein (p.Val150Met). This variant is not present in population databases (gnomAD no frequency). This variant has not been reported in the literature in individuals affected with GRIN1-related conditions. ClinVar contains an entry for this variant (Variation ID: 953936). Invitae Evidence Modeling of protein sequence and biophysical properties (such as structural, functional, and spatial information, amino acid conservation, physicochemical variation, residue mobility, and thermodynamic stability) indicates that this missense variant is not expected to disrupt GRIN1 protein function with a negative predictive value of 95%. In summary, the available evidence is currently insufficient to determine the role of this variant in disease. Therefore, it has been classified as a Variant of Uncertain Significance.

Blueprint Genetics
Classification: Uncertain significance. Last evaluated: 2023-12-13. Review status: criteria provided, single submitter. Criteria: ACMG Guidelines, 2015. Collection method: clinical testing. Allele origin: germline.

PreventionGenetics, part of Exact Sciences
Classification: Uncertain significance for GRIN1-related condition. Last evaluated: 2023-02-06. Review status: criteria provided, single submitter. Criteria: ACMG Guidelines, 2015. Collection method: clinical testing. Allele origin: germline.
Comment: The GRIN1 c.448G>A variant is predicted to result in the amino acid substitution p.Val150Met. To our knowledge, this variant has not been reported in the literature or in a large population database, indicating this variant is rare. In ClinVar this variant is reported with conflicting interpretations of uncertain and likely pathogenic. At this time, the clinical significance of this variant is uncertain due to the absence of conclusive functional and genetic evidence.

Baylor Genetics
Classification: Likely pathogenic for Neurodevelopmental disorder with or without hyperkinetic movements and seizures, autosomal dominant. Last evaluated: 2020-02-28. Review status: criteria provided, single submitter. Criteria: ACMG Guidelines, 2015. Collection method: clinical testing. Allele origin: de novo. Affected: yes.
Comment: This variant was determined to be likely pathogenic according to ACMG Guidelines, 2015 [PMID:25741868].

NM_007327.4(GRIN1):c.448G>A (p.Val150Met)

Gene: GRIN1 (glutamate ionotropic receptor NMDA type subunit 1; plus strand). Cytogenetic location: 9q34.3.
Variant type: single nucleotide variant.
Coding change: c.448G>A on transcript NM_007327.4 (MANE Select); coding-DNA position 448, G replaced by A.
Protein change: p.Val150Met; replaces valine 150 with methionine.
Molecular consequence: missense variant.
Genome position (GRCh38, 1-based): chr9:137,145,780, G>A. VCF-style: chr9-137145780-G-A. GRCh37 (hg19) VCF-style: chr9-140040232-G-A.
Other names: c.448G>A, p.Val150Met (NM_000832.7, NM_001185090.2, NM_001185091.2 and 1 more transcripts); short protein forms V150M.
Identifiers: ClinVar variation 953936 (VCV000953936.14), dbSNP rs1187375556, ClinGen allele CA375713928.
Genomic context (GRCh38, chr9:137,145,780, plus strand): 5'-CCGCAGAGCATCCACCTGAGCTTCCTGCGCACCGTGCCGCCCTACTCCCACCAGTCCAGC[G>A]TGTGGTTTGAGATGATGCGTGTCTACAGCTGGAACCACATCATCCTGCTGGTCAGCGACG-3'
Protein context (NP_015566.1, residues 140-160): TVPPYSHQSS[Val150Met]WFEMMRVYSW